The following is an entry in ClinVar:

ClinVar aggregate classification (germline): Likely pathogenic (1 of 4 stars; one submission).

Conditions:
Anemia, nonspherocytic hemolytic, due to G6PD deficiency (CNSHA1). Also called: Hemolytic anemia due to G6PD deficiency; Class I glucose-6-phosphate dehydrogenase deficiency; Favism, susceptibility to; ANEMIA, CONGENITAL, NONSPHEROCYTIC HEMOLYTIC, 1. Identifiers: Orphanet 466026, MedGen C2720289, MONDO:0010480, OMIM 300908.

Submission:

Dunham Lab, University of Washington
Classification: Likely pathogenic for Anemia, nonspherocytic hemolytic, due to G6PD deficiency. Last evaluated: 2022-08-12. Review status: criteria provided, single submitter. Criteria: Bayesian ACMG Guidelines, 2018. Collection method: curation. Allele origin: unknown. Affected: yes.
Comment: Not found in gnomAD (PM2). Post_P 0.949 (odds of pathogenicity 168.4, Prior_P 0.1).

NM_001360016.2(G6PD):c.691G>C (p.Ala231Pro)

Gene: G6PD (glucose-6-phosphate dehydrogenase; minus strand). Cytogenetic location: Xq28.
Variant type: single nucleotide variant.
Coding change: c.691G>C on transcript NM_001360016.2 (MANE Select); coding-DNA position 691, G replaced by C.
Protein change: p.Ala231Pro; replaces alanine 231 with proline.
Molecular consequence: missense variant.
Genome position (GRCh38, 1-based): chrX:154,534,114, C>G on the plus strand (G>C on the coding strand, the complement: G6PD is on the minus strand). VCF-style: chrX-154534114-C-G. GRCh37 (hg19) VCF-style: chrX-153762329-C-G.
Other names: G6PD Shanghai; c.781G>C, p.Ala261Pro (NM_000402.4); c.691G>C, p.Ala231Pro (NM_001042351.3); short protein forms A231P, A261P.
Identifiers: ClinVar variation 1722749 (VCV001722749.2), dbSNP rs2523266831, ClinGen allele CA415236648.